The following is an entry in ClinVar:

NM_006087.4(TUBB4A):c.1311G>A (p.Glu437=)

Gene: TUBB4A (tubulin beta 4A class IVa; minus strand). Cytogenetic location: 19p13.3.
Variant type: single nucleotide variant.
Coding change: c.1311G>A on transcript NM_006087.4 (MANE Select); coding-DNA position 1311, G replaced by A.
Protein change: p.Glu437=; no amino-acid change (glutamic acid 437 retained).
Molecular consequence: synonymous variant.
Genome position (GRCh38, 1-based): chr19:6,495,188, C>T on the plus strand (G>A on the coding strand, the complement: TUBB4A is on the minus strand). VCF-style: chr19-6495188-C-T. GRCh37 (hg19) VCF-style: chr19-6495199-C-T.
Other names: c.1464G>A, p.Glu488= (NM_001289123.2); c.1446G>A, p.Glu482= (NM_001289127.2); c.1311G>A, p.Glu437= (NM_001289129.2); c.1095G>A, p.Glu365= (NM_001289130.2, NM_001289131.2).
Identifiers: ClinVar variation 623920 (VCV000623920.57), dbSNP rs369467354, ClinGen allele CA9127238.
Genomic context (GRCh38, chr19:6,495,188, plus strand): 5'-GCCTCGAGGGGACAGGTGGGAAGCGATGGGAGCAGCCTAGGCCACCTCCTCCTCCGCCTC[C>T]TCCTCGAACTCGCCCTCCTCGGCCGTGGCGTCCTGGTACTGCTGGTACTCAGATACCAGG-3'
Protein context (NP_006078.2, residues 427-444): DATAEEGEFE[Glu437=]EAEEEVA

ClinVar aggregate classification (germline): Likely benign. Review status: criteria provided, multiple submitters, no conflicts (2 of 4 stars). 4 submissions from 4 submitters: Likely benign (4). Last evaluated 2026-01-15.

Conditions:
Leukodystrophy, hypomyelinating, 6. Also called: TUBB4A-Associated Leukodystrophy; LEUKODYSTROPHY, HYPOMYELINATING, WITH ATROPHY OF THE BASAL GANGLIA AND CEREBELLUM; Hypomyelination with Atrophy of Basal Ganglia and Cerebellum (H-ABC). Identifiers: Orphanet 139441, MedGen C2676244, MONDO:0012905, OMIM 612438.

Allele frequency attached by ClinVar (database versions not stated): gnomAD exomes 0.00015 and 0.00021; ExAC 0.00017; gnomAD 0.00022 and 0.00023; TOPMed 0.00024; ESP Exome Variant Server 0.00046.
gnomAD v4.1: 335 of 1,613,852 alleles (0.021%); highest among the groups gnomAD compares: Non-Finnish European, 0.028%; 1 homozygote.

Submissions (4):

Labcorp Genetics (formerly Invitae), Labcorp
Classification: Likely benign for Leukodystrophy, hypomyelinating, 6. Last evaluated: 2026-01-15. Review status: criteria provided, single submitter. Criteria: Invitae Variant Classification Sherloc (09022015). Collection method: clinical testing. Allele origin: germline.

CeGaT Center for Human Genetics Tuebingen
Classification: Likely benign. Last evaluated: 2026-01-01. Review status: criteria provided, single submitter. Criteria: CeGaT Center For Human Genetics Tuebingen Variant Classification Criteria Version 2. Collection method: clinical testing. Allele origin: germline. Affected: yes. Observed: 6 variant alleles.
Comment: TUBB4A: BP4, BP7

Blueprint Genetics
Classification: Likely benign. Last evaluated: 2024-10-25. Review status: criteria provided, single submitter. Criteria: ACMG Guidelines, 2015. Collection method: clinical testing. Allele origin: germline.

GeneDx
Classification: Likely benign. Last evaluated: 2020-01-23. Review status: criteria provided, single submitter. Criteria: GeneDx Variant Classification Process June 2021. Collection method: clinical testing. Allele origin: germline. Affected: yes.